The following is an entry in ClinVar:

NM_000553.6(WRN):c.3178A>G (p.Ser1060Gly)

Gene: WRN (WRN RecQ like helicase; plus strand). Cytogenetic location: 8p12.
Variant type: single nucleotide variant.
Coding change: c.3178A>G on transcript NM_000553.6 (MANE Select); coding-DNA position 3178, A replaced by G.
Protein change: p.Ser1060Gly; replaces serine 1060 with glycine.
Molecular consequence: missense variant.
Genome position (GRCh38, 1-based): chr8:31,141,720, A>G. VCF-style: chr8-31141720-A-G. GRCh37 (hg19) VCF-style: chr8-30999236-A-G.
Other names: short protein forms S1060G.
Identifiers: ClinVar variation 3007987 (VCV003007987.3), dbSNP rs2536031140, ClinGen allele CA370923040.
Genomic context (GRCh38, chr8:31,141,720, plus strand): 5'-GATCCTTTTTGCTTTTAATAGGGTAGAAATTGGCTTCATAAAGCTAATACAGAATCTCAG[A>G]GCCTCATCCTTCAAGCTAATGAAGAATTGTGTCCAAAGAAGTTGCTTCTGCCTAGGTTCA-3'
Protein context (NP_000544.2, residues 1050-1070): WLHKANTESQ[Ser1060Gly]LILQANEELC

ClinVar aggregate classification (germline): Uncertain significance (1 of 4 stars; one submission).

Conditions:
Werner syndrome (WRN). Identifiers: Orphanet 902, MedGen C0043119, MONDO:0010196, OMIM 277700.

Submission:

Labcorp Genetics (formerly Invitae), Labcorp
Classification: Uncertain significance for Werner syndrome. Last evaluated: 2024-04-22. Review status: criteria provided, single submitter. Criteria: Invitae Variant Classification Sherloc (09022015). Collection method: clinical testing. Allele origin: germline.
Comment: This sequence change replaces serine, which is neutral and polar, with glycine, which is neutral and non-polar, at codon 1060 of the WRN protein (p.Ser1060Gly). This variant is not present in population databases (gnomAD no frequency). This variant has not been reported in the literature in individuals affected with WRN-related conditions. An algorithm developed to predict the effect of missense changes on protein structure and function (PolyPhen-2) suggests that this variant is likely to be tolerated. In summary, the available evidence is currently insufficient to determine the role of this variant in disease. Therefore, it has been classified as a Variant of Uncertain Significance.